The following is an entry in ClinVar:

ClinVar aggregate classification (germline): Uncertain significance (1 of 4 stars; one submission).

Submission:

Ambry Genetics
Classification: Uncertain significance. Last evaluated: 2024-06-01. Review status: criteria provided, single submitter. Criteria: Ambry Variant Classification Scheme 2023. Collection method: clinical testing. Allele origin: germline.
Comment: The p.S641F variant (also known as c.1922C>T), located in coding exon 13 of the NPAT gene, results from a C to T substitution at nucleotide position 1922. The serine at codon 641 is replaced by phenylalanine, an amino acid with highly dissimilar properties. This amino acid position is conserved. In addition, this alteration is predicted to be tolerated by in silico analysis. Based on the available evidence, the clinical significance of this variant remains unclear.

NM_002519.3(NPAT):c.1922C>T (p.Ser641Phe)

Gene: NPAT (nuclear protein, coactivator of histone transcription; minus strand). Cytogenetic location: 11q22.3.
Variant type: single nucleotide variant.
Coding change: c.1922C>T on transcript NM_002519.3 (MANE Select); coding-DNA position 1922, C replaced by T.
Protein change: p.Ser641Phe; replaces serine 641 with phenylalanine.
Molecular consequence: missense variant.
Genome position (GRCh38, 1-based): chr11:108,173,062, G>A on the plus strand (C>T on the coding strand, the complement: NPAT is on the minus strand). VCF-style: chr11-108173062-G-A. GRCh37 (hg19) VCF-style: chr11-108043789-G-A.
Other names: c.1922C>T, p.Ser641Phe (NM_001321307.1); short protein forms S641F.
Identifiers: ClinVar variation 3300613 (VCV003300613.1).
Genomic context (GRCh38, chr11:108,173,062, plus strand): 5'-TCCTGTGAATTCTCAGACTTGGATGCCTGAGCTTCATTTTCTGTATGATTTAACTCAACA[G>A]ATGCTGAATCATTAGATGGTTGTTTAGTAGAAGACAGCGAATCTCCAAGATGAATTTCTA-3'
Protein context (NP_002510.2, residues 631-651): STKQPSNDSA[Ser641Phe]VELNHTENEA